The following is an entry in ClinVar:

ClinVar aggregate classification (germline): Uncertain significance (1 of 4 stars; one submission).

Conditions:
Hypomyelination and Congenital Cataract (HLD5). Also called: hypomyelinating leukodystrophy 5. Identifiers: Orphanet 85163, MedGen C1864663, MONDO:0012514, OMIM 610532.

Submission:

Labcorp Genetics (formerly Invitae), Labcorp
Classification: Uncertain significance for Hypomyelination and Congenital Cataract. Last evaluated: 2022-11-08. Review status: criteria provided, single submitter. Criteria: Invitae Variant Classification Sherloc (09022015). Collection method: clinical testing. Allele origin: germline.
Comment: This sequence change falls in intron 7 of the FAM126A gene. It does not directly change the encoded amino acid sequence of the FAM126A protein. In summary, the available evidence is currently insufficient to determine the role of this variant in disease. Therefore, it has been classified as a Variant of Uncertain Significance. Algorithms developed to predict the effect of sequence changes on RNA splicing suggest that this variant may disrupt the consensus splice site. ClinVar contains an entry for this variant (Variation ID: 1465522). This variant has not been reported in the literature in individuals affected with FAM126A-related conditions. This variant is not present in population databases (gnomAD no frequency).

NM_032581.4(HYCC1):c.627-6T>G

Gene: HYCC1 (hyccin PI4KA lipid kinase complex subunit 1; minus strand). Cytogenetic location: 7p15.3.
Variant type: single nucleotide variant.
Coding change: c.627-6T>G on transcript NM_032581.4 (MANE Select); 6 bases into the intron before coding-DNA position 627, T replaced by G.
Molecular consequence: intron variant.
Genome position (GRCh38, 1-based): chr7:22,964,537, A>C on the plus strand (T>G on the coding strand, the complement: HYCC1 is on the minus strand). VCF-style: chr7-22964537-A-C. GRCh37 (hg19) VCF-style: chr7-23004156-A-C.
Other names: c.627-6T>G (NM_001363467.2, NM_001363466.2).
Identifiers: ClinVar variation 1465522 (VCV001465522.8), dbSNP rs2128200626, ClinGen allele CA2573142055.